The following is an entry in ClinVar:

ClinVar aggregate classification (germline): Benign. Review status: criteria provided, multiple submitters, no conflicts (2 of 4 stars). 3 submissions from 3 submitters: Benign (2). 1 of the submissions does not count toward it. Last evaluated 2026-01-29.

Conditions:
VPS13D-related disorder. Also called: VPS13D-related condition.

Allele frequency attached by ClinVar (database versions not stated): gnomAD 0.00003 and 0.00069; ESP Exome Variant Server 0.00008; TOPMed 0.00020; gnomAD exomes 0.00128 and 0.00261; ExAC 0.00291; 1000 Genomes Project 0.00300; 1000 Genomes Project 30x 0.00312.
gnomAD v4.1: 1,975 of 1,614,124 alleles (0.12%); highest among the groups gnomAD compares: South Asian, 2.1%; 46 homozygotes.

Submissions (3):

Labcorp Genetics (formerly Invitae), Labcorp
Classification: Benign. Last evaluated: 2026-01-29. Review status: criteria provided, single submitter. Criteria: Invitae Variant Classification Sherloc (09022015). Collection method: clinical testing. Allele origin: germline.

Mayo Clinic Laboratories, Mayo Clinic
Classification: Benign. Last evaluated: 2024-06-03. Review status: criteria provided, single submitter. Criteria: ACMG Guidelines, 2015. Collection method: clinical testing. Allele origin: germline. Observed: 4 variant alleles.
Comment: BS1, BS2

PreventionGenetics, part of Exact Sciences
Classification: Benign for VPS13D-related condition. Last evaluated: 2019-07-30. Review status: no assertion criteria provided. Collection method: clinical testing. Allele origin: germline. Not counted in ClinVar's aggregate classification.
Comment: This variant is classified as benign based on ACMG/AMP sequence variant interpretation guidelines (Richards et al. 2015 PMID: 25741868, with internal and published modifications).

NM_015378.4(VPS13D):c.3272G>A (p.Cys1091Tyr)

Gene: VPS13D (vacuolar protein sorting 13 homolog D; plus strand). Cytogenetic location: 1p36.22.
Variant type: single nucleotide variant.
Coding change: c.3272G>A on transcript NM_015378.4 (MANE Select); coding-DNA position 3272, G replaced by A.
Protein change: p.Cys1091Tyr; replaces cysteine 1091 with tyrosine.
Molecular consequence: missense variant.
Genome position (GRCh38, 1-based): chr1:12,276,860, G>A. VCF-style: chr1-12276860-G-A. GRCh37 (hg19) VCF-style: chr1-12336917-G-A.
Other names: p.Cys1091Tyr; c.3272G>A (NM_015378.3); c.3272G>A, p.Cys1091Tyr (NM_018156.4); short protein forms C1091Y.
Identifiers: ClinVar variation 1599749 (VCV001599749.11), dbSNP rs367790441, ClinGen allele CA601955.